The following is an entry in ClinVar:

ClinVar aggregate classification (germline): Pathogenic/Likely pathogenic. Review status: criteria provided, multiple submitters, no conflicts (2 of 4 stars). 8 submissions from 8 submitters: Pathogenic (3); Likely pathogenic (3). 2 of the submissions do not count toward it. Last evaluated 2025-08-05.

Conditions:
SAR1B-related disorder. Also called: SAR1B-related condition.
Chylomicron retention disease (CMRD). Also called: HYPOBETALIPOPROTEINEMIA WITH ACCUMULATION OF APOLIPOPROTEIN B-LIKE PROTEIN IN INTESTINAL CELLS; LIPID TRANSPORT DEFECT OF INTESTINE. Identifiers: Orphanet 71, MedGen C0795956, MONDO:0009528, OMIM 246700.

Allele frequency attached by ClinVar (database versions not stated): ExAC 0.00002; gnomAD exomes 0.00002; gnomAD 0.00003 and 0.00004; TOPMed 0.00004.
gnomAD v4.1: 49 of 1,610,652 alleles (0.003%); highest among the groups gnomAD compares: Non-Finnish European, 0.0037%; no homozygotes.

Submissions (8):

GeneDx
Classification: Pathogenic. Last evaluated: 2025-08-05. Review status: criteria provided, single submitter. Criteria: GeneDx Variant Classification Process June 2021. Collection method: clinical testing. Allele origin: germline. Affected: yes.
Comment: In silico analysis supports that this missense variant has a deleterious effect on protein structure/function; Not observed at significant frequency in large population cohorts (gnomAD); This variant is associated with the following publications: (PMID: 30609409, 34426522, 31589614, 33111339, 17945526, 19285442, 37168760, 30782561, 37558128, 12692552, 32041611, 33002559)

PreventionGenetics, part of Exact Sciences
Classification: Likely pathogenic for SAR1B-related condition. Last evaluated: 2024-10-07. Review status: criteria provided, single submitter. Criteria: ACMG Guidelines, 2015. Collection method: clinical testing. Allele origin: germline.
Comment: The SAR1B c.409G>A variant is predicted to result in the amino acid substitution p.Asp137Asn. This variant was reported in the homozygous or compound heterozygous state in four individuals with chylomicron retention disease or hypobetalipoproteinemia (Jones et al. 2003. PubMed ID: 12692552; Blanco-Vaca et al. 2019. PubMed ID: 30782561). This variant is reported in 0.0053% of alleles in individuals of European (Non-Finnish) descent in gnomAD. This variant is interpreted as likely pathogenic.

Labcorp Genetics (formerly Invitae), Labcorp
Classification: Pathogenic. Last evaluated: 2023-07-07. Review status: criteria provided, single submitter. Criteria: Invitae Variant Classification Sherloc (09022015). Collection method: clinical testing. Allele origin: germline.
Comment: This sequence change replaces aspartic acid, which is acidic and polar, with asparagine, which is neutral and polar, at codon 137 of the SAR1B protein (p.Asp137Asn). This variant is present in population databases (rs28942109, gnomAD 0.005%). This missense change has been observed in individuals with Anderson's disease and/or chylomicron retention disease (PMID: 12692552, 17945526). It has also been observed to segregate with disease in related individuals. ClinVar contains an entry for this variant (Variation ID: 2923). An algorithm developed to predict the effect of missense changes on protein structure and function (PolyPhen-2) suggests that this variant is likely to be disruptive. For these reasons, this variant has been classified as Pathogenic.

Revvity Omics, Revvity
Classification: Likely pathogenic for Chylomicron retention disease. Last evaluated: 2020-02-19. Review status: criteria provided, single submitter. Criteria: ACMG Guidelines, 2015. Collection method: clinical testing. Allele origin: germline.

Eurofins Ntd Llc (ga)
Classification: Pathogenic. Last evaluated: 2018-03-22. Review status: criteria provided, single submitter. Criteria: EGL ClinVar v180209 classification definitions. Collection method: clinical testing. Allele origin: germline. Observed: 1 variant allele, 1 homozygote.

Laboratory for Molecular Medicine, Mass General Brigham Personalized Medicine
Classification: Likely pathogenic for Chylomicron retention disease. Last evaluated: 2017-07-28. Review status: criteria provided, single submitter. Criteria: LMM Criteria. Collection method: clinical testing. Allele origin: germline. Inheritance: Autosomal recessive inheritance. Observed: 1 variant allele.
Comment: The p.Asp137Asn (NM_001033503.2 c.409G>A) variant in SAR1B has been reported in at least 5 homozygous and 3 compound heterozygous individuals of French Canadian or White Canadian ancestry with Chylomicron retention disease and segregated in 5 family members (Charcosset 2008, Peretti 2009, and Jones 2003). This variant has also been reported in ClinVar (Variation ID#2923). This variant has been ide ntified in 0.004% (2/53,150) of European chromosomes by the Exome Aggregation Co nsortium (ExAC; dbSNP rs28942109). Although this variant has been seen in the general population, its frequency is low enough to be consistent with a recessive carrier frequency. Computational prediction tool s and conservation analysis suggest that the p.Asp137Asn variant may impact the protein, though this information is not predictive enough to determine pathogeni city. In summary, although additional studies are required to fully establish it s clinical significance, the p.Asp137Asn variant is likely pathogenic based upon biallelic case observations and segregation in affected individuals.

OMIM
Classification: Pathogenic for CHYLOMICRON RETENTION DISEASE. Last evaluated: 2008-01-01. Review status: no assertion criteria provided. Collection method: literature only. Allele origin: germline. Not counted in ClinVar's aggregate classification.

GeneReviews
No classification provided. Condition: Chylomicron retention disease. Review status: no classification provided. Collection method: literature only. Allele origin: germline. Not counted in ClinVar's aggregate classification.

Literature cited by the submitters: PubMed 12692552 (cited by 3 submitters); PubMed 17945526 (cited by 4 submitters); PubMed 19285442 (cited by Laboratory for Molecular Medicine, Mass General Brigham Personalized Medicine and GeneReviews); NCBI Bookshelf NBK578949 (cited by GeneReviews).

NM_016103.4(SAR1B):c.409G>A (p.Asp137Asn)

Gene: SAR1B (secretion associated Ras related GTPase 1B; minus strand). Cytogenetic location: 5q31.1.
Variant type: single nucleotide variant.
Coding change: c.409G>A on transcript NM_016103.4 (MANE Select); coding-DNA position 409, G replaced by A.
Protein change: p.Asp137Asn; replaces aspartic acid 137 with asparagine.
Molecular consequence: missense variant.
Genome position (GRCh38, 1-based): chr5:134,608,443, C>T on the plus strand (G>A on the coding strand, the complement: SAR1B is on the minus strand). VCF-style: chr5-134608443-C-T. GRCh37 (hg19) VCF-style: chr5-133944133-C-T.
Other names: c.409G>A, p.Asp137Asn (NM_001033503.3); short protein forms D137N.
Identifiers: ClinVar variation 2923 (VCV000002923.20), dbSNP rs28942109, ClinGen allele CA115876.